The following is an entry in ClinVar:

ClinVar aggregate classification (germline): Uncertain significance. Review status: criteria provided, single submitter (1 of 4 stars). 2 submissions from 2 submitters: Uncertain significance (1). 1 of the submissions does not count toward it. Last evaluated 2026-01-12.

Conditions:
Isolated focal cortical dysplasia type II (FCORD2). Also called: Focal cortical dysplasia type II; CORTICAL DYSPLASIA OF TAYLOR. Identifiers: Orphanet 268994, MedGen C1846385, MONDO:0011818, OMIM 607341, HP:0032051.
Tuberous sclerosis 1 (TSC1). Identifiers: Orphanet 805, MedGen C1854465, MONDO:0008612, OMIM 191100.

Allele frequency attached by ClinVar (database versions not stated): gnomAD exomes below 0.00001.
gnomAD v4.1: 2 of 1,614,110 alleles (0.00012%); highest among the groups gnomAD compares: Non-Finnish European, 0.00017%; no homozygotes.

Submissions (2):

Labcorp Genetics (formerly Invitae), Labcorp
Classification: Uncertain significance for Tuberous sclerosis 1. Last evaluated: 2026-01-12. Review status: criteria provided, single submitter. Criteria: Invitae Variant Classification Sherloc (09022015). Collection method: clinical testing. Allele origin: germline.
Comment: This sequence change replaces arginine, which is basic and polar, with cysteine, which is neutral and slightly polar, at codon 204 of the TSC1 protein (p.Arg204Cys). This variant is not present in population databases (gnomAD no frequency). This variant has not been reported in the literature in individuals affected with TSC1-related conditions. ClinVar contains an entry for this variant (Variation ID: 417732). Invitae Evidence Modeling of protein sequence and biophysical properties (such as structural, functional, and spatial information, amino acid conservation, physicochemical variation, residue mobility, and thermodynamic stability) has been performed for this missense variant. However, the output from this modeling did not meet the statistical confidence thresholds required to predict the impact of this variant on TSC1 protein function. Experimental studies have shown that this missense change affects TSC1 function (PMID: 28215400). Algorithms developed to predict the effect of sequence changes on RNA splicing suggest that this variant may disrupt the consensus splice site. In summary, the available evidence is currently insufficient to determine the role of this variant in disease. Therefore, it has been classified as a Variant of Uncertain Significance.

OMIM
Classification: Pathogenic for FOCAL CORTICAL DYSPLASIA, TYPE II, SOMATIC. Last evaluated: 2017-04-11. Review status: no assertion criteria provided. Collection method: literature only. Allele origin: somatic. Not counted in ClinVar's aggregate classification.

Literature cited by the submitters: PubMed 28215400 (cited by Labcorp Genetics (formerly Invitae), Labcorp and OMIM).

NM_000368.5(TSC1):c.610C>T (p.Arg204Cys)

Gene: TSC1 (TSC complex subunit 1; minus strand). Cytogenetic location: 9q34.13.
Variant type: single nucleotide variant.
Coding change: c.610C>T on transcript NM_000368.5 (MANE Select); coding-DNA position 610, C replaced by T.
Protein change: p.Arg204Cys; replaces arginine 204 with cysteine.
Molecular consequence: missense variant.
Genome position (GRCh38, 1-based): chr9:132,921,872, G>A on the plus strand (C>T on the coding strand, the complement: TSC1 is on the minus strand). VCF-style: chr9-132921872-G-A. GRCh37 (hg19) VCF-style: chr9-135797259-G-A.
Other names: c.610C>T, p.Arg204Cys (NM_001162426.2); c.457C>T, p.Arg153Cys (NM_001162427.2); c.247C>T, p.Arg83Cys (NM_001362177.2); short protein forms R204C, R153C, R83C.
Identifiers: ClinVar variation 417732 (VCV000417732.7), dbSNP rs1060505021, ClinGen allele CA16616853.